The following is an entry in ClinVar:

NM_012281.3(KCND2):c.670C>A (p.Arg224=)

Gene: KCND2 (potassium voltage-gated channel subfamily D member 2; plus strand). Cytogenetic location: 7q31.31.
Variant type: single nucleotide variant.
Coding change: c.670C>A on transcript NM_012281.3 (MANE Select); coding-DNA position 670, C replaced by A.
Protein change: p.Arg224=; no amino-acid change (arginine 224 retained).
Molecular consequence: synonymous variant.
Genome position (GRCh38, 1-based): chr7:120,275,302, C>A. VCF-style: chr7-120275302-C-A. GRCh37 (hg19) VCF-style: chr7-119915356-C-A.
Identifiers: ClinVar variation 529732 (VCV000529732.21), dbSNP rs201072665, ClinGen allele CA4453527.

ClinVar aggregate classification (germline): Benign. Review status: criteria provided, multiple submitters, no conflicts (2 of 4 stars). 4 submissions from 4 submitters: Benign (4). Last evaluated 2026-01-21.

Conditions:
Early Myoclonic Encephalopathy. Identifiers: MedGen C0270855.

Allele frequency attached by ClinVar (database versions not stated): ESP Exome Variant Server 0.00015; gnomAD 0.00022 and 0.00052; TOPMed 0.00024; gnomAD exomes 0.00082 and 0.00138; ExAC 0.00147; 1000 Genomes Project 30x 0.00156; 1000 Genomes Project 0.00180.
gnomAD v4.1: 1,267 of 1,613,782 alleles (0.079%); highest among the groups gnomAD compares: South Asian, 1.1%; 15 homozygotes.

Submissions (4):

Labcorp Genetics (formerly Invitae), Labcorp
Classification: Benign for Early Myoclonic Encephalopathy. Last evaluated: 2026-01-21. Review status: criteria provided, single submitter. Criteria: Invitae Variant Classification Sherloc (09022015). Collection method: clinical testing. Allele origin: germline.

CeGaT Center for Human Genetics Tuebingen
Classification: Benign. Last evaluated: 2025-11-01. Review status: criteria provided, single submitter. Criteria: CeGaT Center For Human Genetics Tuebingen Variant Classification Criteria Version 2. Collection method: clinical testing. Allele origin: germline. Affected: yes. Observed: 1 variant allele.
Comment: KCND2: BP4, BS1, BS2

Women's Health and Genetics/Laboratory Corporation of America, LabCorp
Classification: Benign. Last evaluated: 2025-01-27. Review status: criteria provided, single submitter. Criteria: LabCorp Variant Classification Summary - May 2015. Collection method: clinical testing. Allele origin: germline.
Comment: Variant summary: KCND2 c.670C>A alters a conserved nucleotide resulting in a synonymous change. Several computational tools predict a significant impact on normal splicing: Four predict the variant abolishes a cryptic 5' donor site. However, these predictions have yet to be confirmed by functional studies. The variant allele was found at a frequency of 0.0014 in 251430 control chromosomes in the gnomAD database, including 6 homozygotes. The observed variant frequency is approximately 221 fold of the estimated maximal expected allele frequency for a pathogenic variant in KCND2 causing Arrhythmia phenotype (6.3e-06). To our knowledge, no occurrence of c.670C>A in individuals affected with Arrhythmia and no experimental evidence demonstrating its impact on protein function have been reported. ClinVar contains an entry for this variant (Variation ID: 529732). Based on the evidence outlined above, the variant was classified as benign.

Breakthrough Genomics
Classification: Benign. Review status: criteria provided, single submitter. Criteria: ACMG Guidelines, 2015. Collection method: not provided. Allele origin: germline. Inheritance: Unknown mechanism. Affected: yes.